The following is an entry in ClinVar:

NM_138413.4(HOGA1):c.344C>G (p.Thr115Ser)

Gene: HOGA1 (4-hydroxy-2-oxoglutarate aldolase 1; plus strand). Cytogenetic location: 10q24.2.
Variant type: single nucleotide variant.
Coding change: c.344C>G on transcript NM_138413.4 (MANE Select); coding-DNA position 344, C replaced by G.
Protein change: p.Thr115Ser; replaces threonine 115 with serine.
Molecular consequence: missense variant. On other transcripts: intron variant (1).
Genome position (GRCh38, 1-based): chr10:97,599,092, C>G. VCF-style: chr10-97599092-C-G. GRCh37 (hg19) VCF-style: chr10-99358849-C-G.
Other names: c.212-2765C>G (NM_001134670.2); short protein forms T115S.
Identifiers: ClinVar variation 961671 (VCV000961671.8), dbSNP rs2041094955, ClinGen allele CA377977159.

ClinVar aggregate classification (germline): Uncertain significance. Review status: criteria provided, multiple submitters, no conflicts (2 of 4 stars). 3 submissions from 3 submitters: Uncertain significance (2). 1 of the submissions does not count toward it. Last evaluated 2024-03-28.

Conditions:
Primary hyperoxaluria type 3. Also called: PH III. Identifiers: Orphanet 416, Orphanet 93600, MedGen C3150878, MONDO:0013327, OMIM 613616. Disease mechanism: loss of function.

Allele frequency attached by ClinVar (database versions not stated): gnomAD exomes below 0.00001; TOPMed below 0.00001.

Submissions (3):

Fulgent Genetics
Classification: Uncertain significance for Primary hyperoxaluria type 3. Last evaluated: 2024-03-28. Review status: criteria provided, single submitter. Criteria: ACMG Guidelines, 2015. Collection method: clinical testing. Allele origin: germline.

Labcorp Genetics (formerly Invitae), Labcorp
Classification: Uncertain significance. Last evaluated: 2021-09-01. Review status: criteria provided, single submitter. Criteria: Invitae Variant Classification Sherloc (09022015). Collection method: clinical testing. Allele origin: germline.
Comment: This sequence change replaces threonine with serine at codon 115 of the HOGA1 protein (p.Thr115Ser). The threonine residue is highly conserved and there is a small physicochemical difference between threonine and serine. This variant is not present in population databases (ExAC no frequency). This variant has not been reported in the literature in individuals affected with HOGA1-related conditions. Algorithms developed to predict the effect of missense changes on protein structure and function are either unavailable or do not agree on the potential impact of this missense change (SIFT: "Tolerated"; PolyPhen-2: "Probably Damaging"; Align-GVGD: "Class C0"). In summary, the available evidence is currently insufficient to determine the role of this variant in disease. Therefore, it has been classified as a Variant of Uncertain Significance.

Natera, Inc.
Classification: Uncertain significance for Primary hyperoxaluria type III. Last evaluated: 2021-09-03. Review status: no assertion criteria provided. Collection method: clinical testing. Allele origin: germline. Not counted in ClinVar's aggregate classification.